The following is an entry in ClinVar:

NM_001204.7(BMPR2):c.3038C>G (p.Ser1013Cys)

Gene: BMPR2 (bone morphogenetic protein receptor type 2; plus strand). Cytogenetic location: 2q33.2.
Variant type: single nucleotide variant.
Coding change: c.3038C>G on transcript NM_001204.7 (MANE Select); coding-DNA position 3038, C replaced by G.
Protein change: p.Ser1013Cys; replaces serine 1013 with cysteine.
Molecular consequence: missense variant.
Genome position (GRCh38, 1-based): chr2:202,559,867, C>G. VCF-style: chr2-202559867-C-G. GRCh37 (hg19) VCF-style: chr2-203424590-C-G.
Other names: short protein forms S1013C.
Identifiers: ClinVar variation 3824851 (VCV003824851.1).

ClinVar aggregate classification (germline): Uncertain significance (1 of 4 stars; one submission).

Conditions:
Inborn genetic diseases. Identifiers: MedGen C0950123, MeSH D030342.

gnomAD v4.1: 3 of 1,614,134 alleles (0.00019%); highest among the groups gnomAD compares: Middle Eastern, 0.049%; no homozygotes.

Submission:

Ambry Genetics
Classification: Uncertain significance for Inborn genetic diseases. Last evaluated: 2025-01-19. Review status: criteria provided, single submitter. Criteria: Ambry Variant Classification Scheme 2023. Collection method: clinical testing. Allele origin: germline.
Comment: The p.S1013C variant (also known as c.3038C>G), located in coding exon 13 of the BMPR2 gene, results from a C to G substitution at nucleotide position 3038. The serine at codon 1013 is replaced by cysteine, an amino acid with dissimilar properties. This amino acid position is conserved. In addition, this alteration is predicted to be deleterious by in silico analysis. Based on the available evidence, the clinical significance of this variant remains unclear.